The following is an entry in ClinVar:

NM_152309.3(PIK3AP1):c.1471+3_1471+4dup

Gene: PIK3AP1 (phosphoinositide-3-kinase adaptor protein 1; minus strand). Cytogenetic location: 10q24.1.
Variant type: Duplication.
Coding change: c.1471+3_1471+4dup on transcript NM_152309.3 (MANE Select); bases 3 to 4 of the intron after coding-DNA position 1471, 2 bases duplicated (AA; older notation c.1471+3_1471+4dupAA).
Molecular consequence: intron variant.
Genome position (GRCh38, 1-based): chr10:96,628,394-96,628,395, TT duplicated on the plus strand (AA on the coding strand, the reverse complement: PIK3AP1 is on the minus strand). VCF-style (leftmost placement, unchanged base first): chr10-96628393-C-CTT. GRCh37 (hg19) VCF-style: chr10-98388150-C-CTT.
Identifiers: ClinVar variation 4984336 (VCV004984336.1).

ClinVar aggregate classification (germline): Likely benign (1 of 4 stars; one submission).

Conditions:
PIK3AP1-related disorder. Also called: PIK3AP1-related condition.

Submission:

PreventionGenetics, part of Exact Sciences
Classification: Likely benign for PIK3AP1-related condition. Last evaluated: 2026-07-06. Review status: criteria provided, single submitter. Criteria: ACMG Guidelines, 2015. Collection method: clinical testing. Allele origin: germline.
Comment: This variant is classified as likely benign based on ACMG/AMP sequence variant interpretation guidelines (Richards et al. 2015 PMID: 25741868, with internal and published modifications).